The following is an entry in ClinVar:

NM_002907.4(RECQL):c.1472_1473del (p.Glu491fs)

Gene: RECQL (RecQ like helicase; minus strand). Cytogenetic location: 12p12.1.
Variant type: Microsatellite.
Coding change: c.1472_1473del on transcript NM_002907.4 (MANE Select); coding-DNA positions 1472 to 1473, 2 bases deleted (AG; older notation c.1472_1473delAG).
Protein change: p.Glu491fs; shifts the reading frame from glutamic acid 491.
Molecular consequence: frameshift variant.
Genome position (GRCh38, 1-based): chr12:21,471,622-21,471,623, CT deleted on the plus strand (AG on the coding strand, the reverse complement: RECQL is on the minus strand); deleting any 2 consecutive bases within chr12:21,471,622-21,471,625 gives the same sequence; the c. name uses the placement nearest the transcript's 3' end. VCF-style (leftmost placement, unchanged base first): chr12-21471621-ACT-A. GRCh37 (hg19) VCF-style: chr12-21624555-ACT-A.
Other names: c.1472_1473del, p.Glu491fs (NM_032941.3); short protein forms E491fs.
Identifiers: ClinVar variation 1773375 (VCV001773375.2), dbSNP rs1282388962, ClinGen allele CA603967567.

ClinVar aggregate classification (germline): Uncertain significance (1 of 4 stars; one submission).

Submission:

Ambry Genetics
Classification: Uncertain significance. Last evaluated: 2021-06-03. Review status: criteria provided, single submitter. Criteria: Ambry Variant Classification Scheme 2023. Collection method: clinical testing. Allele origin: germline.
Comment: The c.1472_1473delAG variant, located in coding exon 12 of the RECQL gene, results from a deletion of two nucleotides at nucleotide positions 1472 to 1473, causing a translational frameshift with a predicted alternate stop codon (p.E491Vfs*17). This alteration is expected to result in premature protein truncation or nonsense-mediated mRNA decay. However, the gene-disease association for RECQL is limited. Since supporting evidence is limited at this time, the clinical significance of this alteration remains unclear.